The following is an entry in ClinVar:

ClinVar aggregate classification (germline): Uncertain significance (1 of 4 stars; one submission).

Conditions:
Charcot-Marie-Tooth disease type 4. Also called: Charcot-Marie-Tooth, Type 4; Charcot-Marie-Tooth disease, type IV. Identifiers: Orphanet 64749, MedGen C4082197, MONDO:0018995.

Allele frequency attached by ClinVar (database versions not stated): gnomAD exomes 0.00001; ExAC 0.00001.
gnomAD v4.1: 13 of 1,614,136 alleles (0.00081%); highest among the groups gnomAD compares: South Asian, 0.012%; no homozygotes.

Submission:

Labcorp Genetics (formerly Invitae), Labcorp
Classification: Uncertain significance for Charcot-Marie-Tooth disease type 4. Last evaluated: 2022-03-13. Review status: criteria provided, single submitter. Criteria: Invitae Variant Classification Sherloc (09022015). Collection method: clinical testing. Allele origin: germline.
Comment: In summary, the available evidence is currently insufficient to determine the role of this variant in disease. Therefore, it has been classified as a Variant of Uncertain Significance. Algorithms developed to predict the effect of missense changes on protein structure and function output the following: SIFT: "Deleterious"; PolyPhen-2: "Benign"; Align-GVGD: "Class C25". The leucine amino acid residue is found in multiple mammalian species, which suggests that this missense change does not adversely affect protein function. ClinVar contains an entry for this variant (Variation ID: 859113). This variant has not been reported in the literature in individuals affected with FGD4-related conditions. This variant is present in population databases (rs747690428, gnomAD 0.006%). This sequence change replaces proline, which is neutral and non-polar, with leucine, which is neutral and non-polar, at codon 62 of the FGD4 protein (p.Pro62Leu).

NM_001370298.3(FGD4):c.596C>T (p.Pro199Leu)

Gene: FGD4 (FYVE, RhoGEF and PH domain containing 4; plus strand). Cytogenetic location: 12p11.21.
Variant type: single nucleotide variant.
Coding change: c.596C>T on transcript NM_001370298.3 (MANE Select); coding-DNA position 596, C replaced by T.
Protein change: p.Pro199Leu; replaces proline 199 with leucine.
Molecular consequence: missense variant. On other transcripts: 5 prime UTR variant (5), non-coding transcript variant (1), intron variant (1).
Genome position (GRCh38, 1-based): chr12:32,582,052, C>T. VCF-style: chr12-32582052-C-T. GRCh37 (hg19) VCF-style: chr12-32734986-C-T.
Other names: c.440C>T, p.Pro147Leu (NM_001304481.2); c.-660C>T (NM_001304483.2); c.-967C>T (NM_001304484.2); c.-95C>T (NM_001330373.2, NM_001330374.2, NM_001384130.1); c.596C>T, p.Pro199Leu (NM_001384126.1); c.185C>T, p.Pro62Leu (NM_001384127.1, NM_001384128.1, NM_001384131.1 and 3 more transcripts); c.49-16445C>T (NM_001370297.1); short protein forms P62L, P147L, P199L.
Identifiers: ClinVar variation 859113 (VCV000859113.9), dbSNP rs747690428, ClinGen allele CA6506596.